The following is an entry in ClinVar:

ClinVar aggregate classification (germline): Conflicting classifications of pathogenicity. Review status: criteria provided, conflicting classifications (1 of 4 stars). 7 submissions from 7 submitters: Uncertain significance (5); Likely benign (2). Last evaluated 2025-10-24.

Conditions:
Hereditary breast ovarian cancer syndrome. Also called: Breast and ovarian cancer; Hereditary breast and/or ovarian cancer syndrome; BRCA1- and BRCA2-Associated Hereditary Breast and Ovarian Cancer; Hereditary breast and ovarian cancer syndrome; Hereditary breast and ovarian cancer syndrome (HBOC); Hereditary breast and ovarian cancer. Identifiers: Orphanet 145, MedGen C0677776, MeSH D061325, MONDO:0003582. Disease mechanism: loss of function.
Breast-ovarian cancer, familial, susceptibility to, 1 (BROVCA1). Also called: BRCA1 Hereditary Breast and Ovarian Cancer; OVARIAN CANCER, SUSCEPTIBILITY TO. Identifiers: Orphanet 145, MedGen C2676676, MONDO:0011450, OMIM 604370. Disease mechanism: loss of function.
BRCA1-related cancer predisposition. Identifiers: MedGen CN377757, MONDO:0700268.
Hereditary cancer-predisposing syndrome. Also called: Tumor predisposition; Hereditary Cancer Syndrome; Hereditary neoplastic syndrome; Neoplastic Syndromes, Hereditary. Identifiers: Orphanet 140162, MedGen C0027672, MeSH D009386, MONDO:0015356.

Allele frequency attached by ClinVar (database versions not stated): gnomAD exomes below 0.00001; TOPMed 0.00001.

Submissions (7):

Women's Health and Genetics/Laboratory Corporation of America, LabCorp
Classification: Uncertain significance. Last evaluated: 2025-10-24. Review status: criteria provided, single submitter. Criteria: LabCorp Variant Classification Summary - May 2015. Collection method: clinical testing. Allele origin: germline.
Comment: Variant summary: BRCA1 c.1114T>C (p.Trp372Arg) results in a non-conservative amino acid change in the encoded protein sequence. Algorithms developed to predict the effect of missense changes on protein structure and function all suggest that this variant is likely to be disruptive. The frequency data for this variant in gnomAD is considered unreliable, as metrics indicate poor data quality at this position. c.1114T>C has been observed in at least one individual affected with breast cancer (e.g. Ren_2021). These report(s) do not provide unequivocal conclusions about association of the variant with Hereditary Breast And Ovarian Cancer Syndrome. To our knowledge, no experimental evidence demonstrating an impact on protein function has been reported. The following publication has been ascertained in the context of this evaluation (PMID: 34196900). ClinVar contains an entry for this variant (Variation ID: 485404). Based on the evidence outlined above, the variant was classified as uncertain significance.

Myriad Genetics, Inc.
Classification: Likely benign for Breast-ovarian cancer, familial, susceptibility to, 1. Last evaluated: 2025-10-10. Review status: criteria provided, single submitter. Criteria: Myriad Autosomal Dominant, Autosomal Recessive and X-Linked Classification Criteria (2023). Collection method: clinical testing. Allele origin: unknown.
Comment: This variant is considered likely benign. This variant is strongly associated with less severe personal and family histories of cancer, typical for individuals without pathogenic variants in this gene [PMID: 25085752].

All of Us Research Program, National Institutes of Health
Classification: Uncertain significance for BRCA1-related cancer predisposition. Last evaluated: 2024-05-14. Review status: criteria provided, single submitter. Criteria: ACMG Guidelines, 2015. Collection method: clinical testing. Allele origin: germline. Inheritance: Autosomal dominant inheritance. Observed: 1 variant allele, 1 heterozygote.
Comment: This missense variant replaces tryptophan with arginine at codon 372 of the BRCA1 protein. Computational prediction is inconclusive regarding the impact of this variant on protein structure and function. To our knowledge, functional studies have not been reported for this variant. This variant has been detected in a breast cancer case-control meta-analysis in 0/60466 cases and 1/53461 unaffected individuals (PMID: 33471991; Leiden Open Variation Database DB-ID BRCA1_006023). This variant has not been identified in the general population by the Genome Aggregation Database (gnomAD). The available evidence is insufficient to determine the role of this variant in disease conclusively. Therefore, this variant is classified as a Variant of Uncertain Significance.

This study involves interpretation of variants in research participants for the purpose of population health screening. Participant phenotype was not available at the time of variant classification. Additional details can be found in publication PMID: 35346344, PMCID: PMC8962531

Ambry Genetics
Classification: Uncertain significance for Hereditary cancer-predisposing syndrome. Last evaluated: 2024-04-17. Review status: criteria provided, single submitter. Criteria: Ambry Variant Classification Scheme 2023. Collection method: clinical testing. Allele origin: germline.
Comment: The p.W372R variant (also known as c.1114T>C), located in coding exon 9 of the BRCA1 gene, results from a T to C substitution at nucleotide position 1114. The tryptophan at codon 372 is replaced by arginine, an amino acid with dissimilar properties. This amino acid position is well conserved in available vertebrate species. In addition, this alteration is predicted to be deleterious by in silico analysis. Based on the available evidence, the clinical significance of this variant remains unclear.

Labcorp Genetics (formerly Invitae), Labcorp
Classification: Uncertain significance for Hereditary breast ovarian cancer syndrome. Last evaluated: 2024-02-23. Review status: criteria provided, single submitter. Criteria: Invitae Variant Classification Sherloc (09022015). Collection method: clinical testing. Allele origin: germline.
Comment: This sequence change replaces tryptophan, which is neutral and slightly polar, with arginine, which is basic and polar, at codon 372 of the BRCA1 protein (p.Trp372Arg). This variant is not present in population databases (gnomAD no frequency). This variant has not been reported in the literature in individuals affected with BRCA1-related conditions. ClinVar contains an entry for this variant (Variation ID: 485404). Advanced modeling of protein sequence and biophysical properties (such as structural, functional, and spatial information, amino acid conservation, physicochemical variation, residue mobility, and thermodynamic stability) performed at Invitae indicates that this missense variant is not expected to disrupt BRCA1 protein function with a negative predictive value of 95%. In summary, the available evidence is currently insufficient to determine the role of this variant in disease. Therefore, it has been classified as a Variant of Uncertain Significance.

University of Washington Department of Laboratory Medicine, University of Washington
Classification: Likely benign for Hereditary cancer-predisposing syndrome. Last evaluated: 2023-03-23. Review status: criteria provided, single submitter. Criteria: Dines et al. (Genet Med. 2020). Collection method: curation. Allele origin: germline.
Comment: Missense variant in a coldspot region where missense variants are very unlikely to be pathogenic (PMID:31911673).

BRCA1 coldspot (exon 11 using historical exon numbering). Reclassification based on statistical prior probability

GeneDx
Classification: Uncertain significance. Last evaluated: 2022-07-05. Review status: criteria provided, single submitter. Criteria: GeneDx Variant Classification Process June 2021. Collection method: clinical testing. Allele origin: germline. Affected: yes.
Comment: Not observed at significant frequency in large population cohorts (gnomAD); In silico analysis supports that this missense variant has a deleterious effect on protein structure/function; Has not been previously published as pathogenic or benign to our knowledge; Also known as 1233T>C

Literature cited by the submitters: PubMed 34196900 (cited by Women's Health and Genetics/Laboratory Corporation of America, LabCorp); PubMed 25085752 (cited by Myriad Genetics, Inc.); PubMed 33471991 (cited by All of Us Research Program, National Institutes of Health).

NM_007294.4(BRCA1):c.1114T>C (p.Trp372Arg)

Gene: BRCA1 (BRCA1 DNA repair associated; minus strand). Cytogenetic location: 17q21.31.
Variant type: single nucleotide variant.
Coding change: c.1114T>C on transcript NM_007294.4 (MANE Select); coding-DNA position 1114, T replaced by C.
Protein change: p.Trp372Arg; replaces tryptophan 372 with arginine.
Molecular consequence: missense variant. On other transcripts: intron variant (137).
Genome position (GRCh38, 1-based): chr17:43,094,417, A>G on the plus strand (T>C on the coding strand, the complement: BRCA1 is on the minus strand). VCF-style: chr17-43094417-A-G. GRCh37 (hg19) VCF-style: chr17-41246434-A-G.
Other names: c.901T>C, p.Trp301Arg (NM_001407571.1, NM_001407853.1, NM_001407894.1 and 9 more transcripts); c.1114T>C, p.Trp372Arg (NM_001407581.1, NM_001407582.1, NM_001407583.1 and 30 more transcripts); c.1111T>C, p.Trp371Arg (NM_001407587.1, NM_001407590.1, NM_001407591.1 and 22 more transcripts); c.1105T>C, p.Trp369Arg (NM_001407646.1, NM_001407647.1); c.991T>C, p.Trp331Arg (NM_001407648.1, NM_001407664.1, NM_001407665.1 and 19 more transcripts); c.1033T>C, p.Trp345Arg (NM_001407661.1, NM_001407662.1, NM_001407659.1 and 1 more transcripts); c.1036T>C, p.Trp346Arg (NM_001407663.1, NM_001407653.1, NM_001407654.1 and 4 more transcripts); c.988T>C, p.Trp330Arg (NM_001407685.1, NM_001407686.1, NM_001407687.1 and 11 more transcripts); and 40 more; short protein forms W372R, W325R, W302R, W330R, W346R, W369R, W260R, W304R.
Identifiers: ClinVar variation 485404 (VCV000485404.20), dbSNP rs1306111238, ClinGen allele CA10599829.
Genomic context (GRCh38, chr17:43,094,417, plus strand): 5'-GTTCATCACTTCTGGAAAACCACTCATTAACTTTCTGAATGCTGCTATTTAGTGTTATCC[A>G]AGGAACATCTTCAGTATCTCTAGGATTCTCTGAGCATGGCAGTTTCTGCTTATTCCATTC-3'
Protein context (NP_009225.1, residues 362-382): ENPRDTEDVP[Trp372Arg]ITLNSSIQKV